The following is an entry in ClinVar:

NM_005219.5(DIAPH1):c.*1637G>C

Gene: DIAPH1 (diaphanous related formin 1; minus strand). Cytogenetic location: 5q31.3.
Variant type: single nucleotide variant.
Coding change: c.*1637G>C on transcript NM_005219.5 (MANE Select); 1637 bases downstream of the stop codon, G replaced by C.
Molecular consequence: 3 prime UTR variant.
Genome position (GRCh38, 1-based): chr5:141,515,214, C>G on the plus strand (G>C on the coding strand, the complement: DIAPH1 is on the minus strand). VCF-style: chr5-141515214-C-G. GRCh37 (hg19) VCF-style: chr5-140894781-C-G.
Other names: c.*1637G>C (NM_001079812.3); c.*1756G>C (NM_001314007.2).
Identifiers: ClinVar variation 351256 (VCV000351256.5), dbSNP rs531768148, ClinGen allele CA10620352.

ClinVar aggregate classification (germline): Likely benign (1 of 4 stars; one submission).

Conditions:
Autosomal dominant nonsyndromic hearing loss 1. Also called: KONIGSMARK SYNDROME; DEAFNESS, AUTOSOMAL DOMINANT 1, WITH OR WITHOUT THROMBOCYTOPENIA. Identifiers: Orphanet 90635, MedGen C1852282, MONDO:0007424, OMIM 124900.

Allele frequency attached by ClinVar (database versions not stated): 1000 Genomes Project 0.00140; gnomAD 0.00150 and 0.00164; 1000 Genomes Project 30x 0.00156; TOPMed 0.00203.
gnomAD v4.1: 225 of 152,448 alleles (0.15%); highest among the groups gnomAD compares: African/African-American, 0.52%; 1 homozygote.

Submission:

Illumina Laboratory Services, Illumina
Classification: Likely benign for Autosomal dominant nonsyndromic hearing loss 1. Last evaluated: 2018-01-12. Review status: criteria provided, single submitter. Criteria: ICSL Variant Classification Criteria 13 December 2019. Collection method: clinical testing. Allele origin: germline.
Comment: This variant was observed in the ICSL laboratory as part of a predisposition screen in an ostensibly healthy population. It had not been previously curated by ICSL or reported in the Human Gene Mutation Database (HGMD: prior to June 1st, 2018), and was therefore a candidate for classification through an automated scoring system. Utilizing variant allele frequency, disease prevalence and penetrance estimates, and inheritance mode, an automated score was calculated to assess if this variant is too frequent to cause the disease. Based on the score and internal cut-off values, a variant classified as likely benign is not then subjected to further curation. The score for this variant resulted in a classification of likely benign for this disease.